The following is an entry in ClinVar:

ClinVar aggregate classification (germline): Uncertain significance. Review status: criteria provided, multiple submitters, no conflicts (2 of 4 stars). 4 submissions from 4 submitters: Uncertain significance (4). Last evaluated 2024-04-25.

Conditions:
Cardiovascular phenotype. Identifiers: MedGen CN230736.
Familial hypercholesterolemia. Also called: Familial hypercholesterolemias; Familial hypercholesterolaemia. Identifiers: MedGen C0020445, MONDO:0005439.
Hypercholesterolemia, autosomal dominant, 3 (FHCL3). Also called: Familial hypercholesterolemia 3; Familial Hypercholesterolemia, Autosomal Dominant, 3; PCSK9-Related Familial Hypercholesterolemia, Autosomal Dominant. Identifiers: MedGen C1863551, MONDO:0011369, OMIM 603776.

Allele frequency attached by ClinVar (database versions not stated): TOPMed below 0.00001; gnomAD 0.00001; gnomAD exomes 0.00002.
gnomAD v4.1: 23 of 1,587,136 alleles (0.0014%); highest among the groups gnomAD compares: Non-Finnish European, 0.0019%; no homozygotes.

Submissions (4):

All of Us Research Program, National Institutes of Health
Classification: Uncertain significance for Hypercholesterolemia, autosomal dominant, 3. Last evaluated: 2024-04-25. Review status: criteria provided, single submitter. Criteria: ACMG Guidelines, 2015. Collection method: clinical testing. Allele origin: germline. Inheritance: Autosomal dominant inheritance. Observed: 2 variant alleles, 2 heterozygotes.
Comment: This missense variant replaces alanine with valine at codon 305 of the PCSK9 protein. Computational prediction suggests that this variant may not impact protein structure and function (internally defined REVEL score threshold <= 0.5, PMID: 27666373). To our knowledge, functional studies have not been reported for this variant. This variant has not been reported in individuals affected with familial hypercholesterolemia in the literature. This variant has not been identified in the general population by the Genome Aggregation Database (gnomAD). The available evidence is insufficient to determine the role of this variant in disease conclusively. Therefore, this variant is classified as a Variant of Uncertain Significance.

This study involves interpretation of variants in research participants for the purpose of population health screening. Participant phenotype was not available at the time of variant classification. Additional details can be found in publication PMID: 35346344, PMCID: PMC8962531

Labcorp Genetics (formerly Invitae), Labcorp
Classification: Uncertain significance for Hypercholesterolemia, autosomal dominant, 3. Last evaluated: 2024-03-22. Review status: criteria provided, single submitter. Criteria: Invitae Variant Classification Sherloc (09022015). Collection method: clinical testing. Allele origin: germline.
Comment: This sequence change replaces alanine, which is neutral and non-polar, with valine, which is neutral and non-polar, at codon 305 of the PCSK9 protein (p.Ala305Val). This variant is not present in population databases (gnomAD no frequency). This variant has not been reported in the literature in individuals affected with PCSK9-related conditions. ClinVar contains an entry for this variant (Variation ID: 924264). Advanced modeling of protein sequence and biophysical properties (such as structural, functional, and spatial information, amino acid conservation, physicochemical variation, residue mobility, and thermodynamic stability) performed at Invitae indicates that this missense variant is not expected to disrupt PCSK9 protein function with a negative predictive value of 80%. In summary, the available evidence is currently insufficient to determine the role of this variant in disease. Therefore, it has been classified as a Variant of Uncertain Significance.

Color Diagnostics, LLC DBA Color Health
Classification: Uncertain significance for Familial hypercholesterolemia. Last evaluated: 2024-03-06. Review status: criteria provided, single submitter. Criteria: ACMG Guidelines, 2015. Collection method: clinical testing. Allele origin: germline.
Comment: This missense variant replaces alanine with valine at codon 305 of the PCSK9 protein. Computational prediction suggests that this variant may not impact protein structure and function (internally defined REVEL score threshold <= 0.5, PMID: 27666373). To our knowledge, functional studies have not been reported for this variant. This variant has not been reported in individuals affected with familial hypercholesterolemia in the literature. This variant has not been identified in the general population by the Genome Aggregation Database (gnomAD). The available evidence is insufficient to determine the role of this variant in disease conclusively. Therefore, this variant is classified as a Variant of Uncertain Significance.

Ambry Genetics
Classification: Uncertain significance for Cardiovascular phenotype. Last evaluated: 2023-05-01. Review status: criteria provided, single submitter. Criteria: Ambry Variant Classification Scheme 2023. Collection method: clinical testing. Allele origin: germline.
Comment: The p.A305V variant (also known as c.914C>T), located in coding exon 6 of the PCSK9 gene, results from a C to T substitution at nucleotide position 914. The alanine at codon 305 is replaced by valine, an amino acid with similar properties. This amino acid position is conserved. In addition, this alteration is predicted to be tolerated by in silico analysis. Since supporting evidence is limited at this time, the clinical significance of this alteration remains unclear.

NM_174936.4(PCSK9):c.914C>T (p.Ala305Val)

Gene: PCSK9 (proprotein convertase subtilisin/kexin type 9; plus strand). Cytogenetic location: 1p32.3.
Variant type: single nucleotide variant.
Coding change: c.914C>T on transcript NM_174936.4 (MANE Select); coding-DNA position 914, C replaced by T.
Protein change: p.Ala305Val; replaces alanine 305 with valine.
Molecular consequence: missense variant.
Genome position (GRCh38, 1-based): chr1:55,056,107, C>T. VCF-style: chr1-55056107-C-T. GRCh37 (hg19) VCF-style: chr1-55521780-C-T.
Other names: c.722C>T, p.Ala241Val (NM_001407245.1); c.539C>T, p.Ala180Val (NM_001407246.1); c.914C>T, p.Ala305Val (NM_001407247.1, NM_001407241.1, NM_001407244.1); c.1037C>T, p.Ala346Val (NM_001407240.1); c.917C>T, p.Ala306Val (NM_001407242.1); c.857C>T, p.Ala286Val (NM_001407243.1); short protein forms A305V, A180V, A306V, A241V, A346V, A286V.
Identifiers: ClinVar variation 924264 (VCV000924264.14), dbSNP rs1239236028, ClinGen allele CA340474831.